The following is an entry in ClinVar:

NM_015272.5(RPGRIP1L):c.1681C>T (p.Arg561Cys)

Gene: RPGRIP1L (RPGRIP1 like; minus strand). Cytogenetic location: 16q12.2.
Variant type: single nucleotide variant.
Coding change: c.1681C>T on transcript NM_015272.5 (MANE Select); coding-DNA position 1681, C replaced by T.
Protein change: p.Arg561Cys; replaces arginine 561 with cysteine.
Molecular consequence: missense variant.
Genome position (GRCh38, 1-based): chr16:53,656,490, G>A on the plus strand (C>T on the coding strand, the complement: RPGRIP1L is on the minus strand). VCF-style: chr16-53656490-G-A. GRCh37 (hg19) VCF-style: chr16-53690402-G-A.
Other names: c.1681C>T, p.Arg561Cys (NM_001127897.4, NM_001308334.3, NM_001330538.2); c.1681C>T (NM_015272.4); short protein forms R561C.
Identifiers: ClinVar variation 651693 (VCV000651693.9), dbSNP rs781713688, ClinGen allele CA8057738.

ClinVar aggregate classification (germline): Uncertain significance. Review status: criteria provided, multiple submitters, no conflicts (2 of 4 stars). 5 submissions from 5 submitters: Uncertain significance (3). 2 of the submissions do not count toward it. Last evaluated 2024-10-23.

Conditions:
Joubert syndrome. Also called: JOUBERT-BOLTSHAUSER SYNDROME; Familial aplasia of the vermis. Identifiers: Orphanet 475, MedGen C5979921, MONDO:0018772.
COACH syndrome 3. Identifiers: MedGen C5436841, MONDO:0030862, OMIM 619113.
Joubert syndrome 7 (JBTS7). Identifiers: Orphanet 220497, MedGen C1969053, MONDO:0012694, OMIM 611560.
Meckel syndrome, type 5 (MKS5). Identifiers: Orphanet 564, MedGen C1969052, MONDO:0012695, OMIM 611561.
RPGRIP1L-related disorder. Also called: RPGRIP1L-related disorders; RPGRIP1L-related condition. Identifiers: MedGen CN239416.
Meckel-Gruber syndrome. Also called: DYSENCEPHALIA SPLANCHNOCYSTICA; GRUBER SYNDROME; Dysencephalia splachnocystica. Identifiers: Orphanet 564, MedGen C0265215, MONDO:0018921.

Allele frequency attached by ClinVar (database versions not stated): gnomAD 0.00001; gnomAD exomes 0.00002 and 0.00004; TOPMed 0.00002; ExAC 0.00003.
gnomAD v4.1: 27 of 1,610,544 alleles (0.0017%); highest among the groups gnomAD compares: South Asian, 0.016%; no homozygotes.

Submissions (5):

Labcorp Genetics (formerly Invitae), Labcorp
Classification: Uncertain significance for Joubert syndrome; Meckel-Gruber syndrome. Last evaluated: 2024-10-23. Review status: criteria provided, single submitter. Criteria: Invitae Variant Classification Sherloc (09022015). Collection method: clinical testing. Allele origin: germline.
Comment: This sequence change replaces arginine, which is basic and polar, with cysteine, which is neutral and slightly polar, at codon 561 of the RPGRIP1L protein (p.Arg561Cys). This variant is present in population databases (rs781713688, gnomAD 0.02%). This variant has not been reported in the literature in individuals affected with RPGRIP1L-related conditions. ClinVar contains an entry for this variant (Variation ID: 651693). Invitae Evidence Modeling of protein sequence and biophysical properties (such as structural, functional, and spatial information, amino acid conservation, physicochemical variation, residue mobility, and thermodynamic stability) has been performed for this missense variant. However, the output from this modeling did not meet the statistical confidence thresholds required to predict the impact of this variant on RPGRIP1L protein function. In summary, the available evidence is currently insufficient to determine the role of this variant in disease. Therefore, it has been classified as a Variant of Uncertain Significance.

Blueprint Genetics
Classification: Uncertain significance. Last evaluated: 2022-09-28. Review status: criteria provided, single submitter. Criteria: ACMG Guidelines, 2015. Collection method: clinical testing. Allele origin: germline.

Fulgent Genetics
Classification: Uncertain significance for Joubert syndrome 7; Meckel syndrome, type 5; COACH syndrome 3. Last evaluated: 2022-02-15. Review status: criteria provided, single submitter. Criteria: ACMG Guidelines, 2015. Collection method: clinical testing. Allele origin: unknown.

PreventionGenetics, part of Exact Sciences
Classification: Uncertain significance for RPGRIP1L-related condition. Last evaluated: 2024-09-10. Review status: no assertion criteria provided. Collection method: clinical testing. Allele origin: germline. Not counted in ClinVar's aggregate classification.
Comment: The RPGRIP1L c.1681C>T variant is predicted to result in the amino acid substitution p.Arg561Cys. To our knowledge, this variant has not been reported in the literature. This variant is reported in 0.023% of alleles in individuals of South Asian descent in gnomAD. At this time, the clinical significance of this variant is uncertain due to the absence of conclusive functional and genetic evidence.

Natera, Inc.
Classification: Uncertain significance for Joubert syndrome. Last evaluated: 2020-02-12. Review status: no assertion criteria provided. Collection method: clinical testing. Allele origin: germline. Not counted in ClinVar's aggregate classification.